The following is an entry in ClinVar:

NM_001009944.3(PKD1):c.10051-12C>T

Gene: PKD1 (polycystin 1, transient receptor potential channel interacting; minus strand). Cytogenetic location: 16p13.3.
Variant type: single nucleotide variant.
Coding change: c.10051-12C>T on transcript NM_001009944.3 (MANE Select); 12 bases into the intron before coding-DNA position 10051, C replaced by T.
Molecular consequence: intron variant.
Genome position (GRCh38, 1-based): chr16:2,097,996, G>A on the plus strand (C>T on the coding strand, the complement: PKD1 is on the minus strand). VCF-style: chr16-2097996-G-A. GRCh37 (hg19) VCF-style: chr16-2147997-G-A.
Other names: c.10051-12C>T (NM_000296.4).
Identifiers: ClinVar variation 3780124 (VCV003780124.3).
Genomic context (GRCh38, chr16:2,097,996, plus strand): 5'-TGTCCAGCACCTGCTGCCCGGCAGGTGTGGGGCTCGGGCTCCCAGCCACCTGCAGGACGA[G>A]GGCAGTGGTCAGCGGGCGGCAGCTCAGACCTGCTCAGGACAGGGATGAGAAGCCACCTCC-3'

ClinVar aggregate classification (germline): Benign/Likely benign. Review status: criteria provided, multiple submitters, no conflicts (2 of 4 stars). 3 submissions from 3 submitters: Benign (1); Likely benign (2). Last evaluated 2025-10-27.

Conditions:
Polycystic kidney disease, adult type (PKD1). Also called: Polycystic Kidney Disease 1, Autosomal Dominant; Polycystic kidney disease 1; Polycystic kidney disease 1, severe; POLYCYSTIC KIDNEY DISEASE 1 WITH OR WITHOUT POLYCYSTIC LIVER DISEASE; POLYCYSTIC KIDNEY DISEASE, ADULT, TYPE I; Polycystic Kidney, Autosomal Dominant. Identifiers: MedGen C3149841, MONDO:0008263, OMIM 173900.

gnomAD v4.1: 912 of 1,518,686 alleles (0.06%); highest among the groups gnomAD compares: Non-Finnish European, 0.07%; 2 homozygotes.

Submissions (3):

Women's Health and Genetics/Laboratory Corporation of America, LabCorp
Classification: Likely benign. Last evaluated: 2025-10-27. Review status: criteria provided, single submitter. Criteria: LabCorp Variant Classification Summary - May 2015. Collection method: clinical testing. Allele origin: germline.
Comment: Variant summary: PKD1 c.10051-12C>T alters a non-conserved nucleotide located at a position not widely known to affect splicing. Consensus agreement among computation tools predict no significant impact on normal splicing. However, these predictions have yet to be confirmed by functional studies. The variant allele was found at a frequency of 0.00032 in 226060 control chromosomes. This frequency is not significantly higher than estimated for disease-causing variants in PKD1, allowing no conclusion about variant significance. To our knowledge, no occurrence of c.10051-12C>T in individuals affected with PKD1-related conditions and no experimental evidence demonstrating its impact on protein function have been reported. ClinVar contains an entry for this variant (Variation ID: 3780124). Based on the evidence outlined above, the variant was classified as likely benign.

Department of Pathology and Laboratory Medicine, Sinai Health System
Classification: Benign for Polycystic kidney disease, adult type. Last evaluated: 2024-10-17. Review status: criteria provided, single submitter. Criteria: ACMG Guidelines, 2015. Collection method: clinical testing. Allele origin: germline. Affected: yes.

Blueprint Genetics
Classification: Likely benign. Last evaluated: 2024-08-14. Review status: criteria provided, single submitter. Criteria: ACMG Guidelines, 2015. Collection method: clinical testing. Allele origin: germline.